The following is an entry in ClinVar:

NM_001130987.2(DYSF):c.2938G>T (p.Gly980Ter)

Gene: DYSF (dysferlin; plus strand). Cytogenetic location: 2p13.2.
Variant type: single nucleotide variant.
Coding change: c.2938G>T on transcript NM_001130987.2 (MANE Select); coding-DNA position 2938, G replaced by T.
Protein change: p.Gly980Ter; replaces glycine 980 with a stop codon.
Molecular consequence: nonsense.
Genome position (GRCh38, 1-based): chr2:71,569,893, G>T. VCF-style: chr2-71569893-G-T. GRCh37 (hg19) VCF-style: chr2-71797023-G-T.
Other names: c.2887G>T, p.Gly963Ter (NM_001130455.2, NM_001130983.2); c.2842G>T, p.Gly948Ter (NM_001130976.2, NM_001130977.2); c.2884G>T, p.Gly962Ter (NM_001130978.2, NM_003494.4); c.2977G>T, p.Gly993Ter (NM_001130979.2); c.2935G>T, p.Gly979Ter (NM_001130980.2, NM_001130981.2); c.2980G>T, p.Gly994Ter (NM_001130982.2); c.2845G>T, p.Gly949Ter (NM_001130984.2, NM_001130986.2); c.2938G>T, p.Gly980Ter (NM_001130985.2); short protein forms G948*, G949*, G962*, G963*, G979*, G980*, G993*, G994*.
Identifiers: ClinVar variation 5011454 (VCV005011454.1).

ClinVar aggregate classification (germline): Pathogenic (1 of 4 stars; one submission).

Conditions:
Autosomal recessive limb-girdle muscular dystrophy. Identifiers: Orphanet 102015, MedGen C2931907, MONDO:0015152.

Submission:

Myriad Genetics, Inc.
Classification: Pathogenic for Autosomal recessive limb-girdle muscular dystrophy. Last evaluated: 2023-08-22. Review status: criteria provided, single submitter. Criteria: Myriad Autosomal Dominant, Autosomal Recessive and X-Linked Classification Criteria (2023). Collection method: clinical testing. Allele origin: unknown.
Comment: NM_003494.3(DYSF):c.2884G>T(G962*) is expected to be pathogenic in the context of dysferlinopathy. This variant is predicted to lead to an abnormal or absent protein product due to the creation of a premature termination codon in DYSF, a gene where loss-of-function variants are known to be pathogenic. Please note: this variant was assessed in the context of healthy population screening.